The following is an entry in ClinVar:

NM_016023.5(OTUD6B):c.192A>G (p.Arg64=)

Gene: OTUD6B (OTU deubiquitinase 6B; plus strand). Cytogenetic location: 8q21.3.
Variant type: single nucleotide variant.
Coding change: c.192A>G on transcript NM_016023.5 (MANE Select); coding-DNA position 192, A replaced by G.
Protein change: p.Arg64=; no amino-acid change (arginine 64 retained).
Molecular consequence: synonymous variant. On other transcripts: 5 prime UTR variant (1).
Genome position (GRCh38, 1-based): chr8:91,071,247, A>G. VCF-style: chr8-91071247-A-G. GRCh37 (hg19) VCF-style: chr8-92083475-A-G.
Other names: c.-252A>G (NM_001286745.3); c.192A>G, p.Arg64= (NM_001416022.1).
Identifiers: ClinVar variation 3053871 (VCV003053871.2), dbSNP rs146478242, ClinGen allele CA4804699.
Genomic context (GRCh38, chr8:91,071,247, plus strand): 5'-GAGGAAGCAACTCACCGAAGATGTGGCCAAGTTGGAAAAAGAAATGGAACAGAAACATAG[A>G]GAGGAACTGGAGCAATTGAAGCTGACTACTAAGGAGAATAAGGTATGTGAAATAAATGTT-3'
Protein context (NP_057107.4, residues 54-74): KLEKEMEQKH[Arg64=]EELEQLKLTT

ClinVar aggregate classification (germline): Likely benign (0 of 4 stars; one submission).

Conditions:
OTUD6B-related disorder. Also called: OTUD6B-related condition.

Allele frequency attached by ClinVar (database versions not stated): gnomAD exomes 0.00002; ExAC 0.00007; 1000 Genomes Project 30x 0.00016; 1000 Genomes Project 0.00020; gnomAD 0.00023; TOPMed 0.00029; ESP Exome Variant Server 0.00046.
gnomAD v4.1: 66 of 1,613,850 alleles (0.0041%); highest among the groups gnomAD compares: African/African-American, 0.073%; no homozygotes.

Submission:

PreventionGenetics, part of Exact Sciences
Classification: Likely benign for OTUD6B-related condition. Last evaluated: 2020-01-27. Review status: no assertion criteria provided. Collection method: clinical testing. Allele origin: germline.
Comment: This variant is classified as likely benign based on ACMG/AMP sequence variant interpretation guidelines (Richards et al. 2015 PMID: 25741868, with internal and published modifications).